The following is an entry in ClinVar:

ClinVar aggregate classification (germline): Likely pathogenic (1 of 4 stars; one submission).

gnomAD v4.1: 1 of 1,613,874 alleles (0.000062%); highest among the groups gnomAD compares: Non-Finnish European, 0.000085%; no homozygotes.

Submission:

GeneDx
Classification: Likely pathogenic. Last evaluated: 2020-01-02. Review status: criteria provided, single submitter. Criteria: GeneDx Variant Classification Process June 2021. Collection method: clinical testing. Allele origin: germline. Affected: yes.
Comment: Nonsense variant predicted to result in protein truncation or nonsense mediated decay in a gene for which loss-of-function is a known mechanism of disease; Not observed in large population cohorts (Lek et al., 2016; McVean et al., 2012; Exome Variant Server); Has not been previously published as pathogenic or benign to our knowledge

NM_001161352.2(KCNMA1):c.1918C>T (p.Arg640Ter)

Gene: KCNMA1 (potassium calcium-activated channel subfamily M alpha 1; minus strand). Cytogenetic location: 10q22.3.
Variant type: single nucleotide variant.
Coding change: c.1918C>T on transcript NM_001161352.2 (MANE Select); coding-DNA position 1918, C replaced by T.
Protein change: p.Arg640Ter; replaces arginine 640 with a stop codon.
Molecular consequence: nonsense.
Genome position (GRCh38, 1-based): chr10:77,027,833, G>A on the plus strand (C>T on the coding strand, the complement: KCNMA1 is on the minus strand). VCF-style: chr10-77027833-G-A. GRCh37 (hg19) VCF-style: chr10-78787591-G-A.
Other names: c.1918C>T, p.Arg640Ter (NM_001014797.3, NM_001161353.2, NM_001271519.2 and 7 more transcripts); c.1756C>T, p.Arg586Ter (NM_001271518.2); c.1378C>T, p.Arg460Ter (NM_001322838.2); short protein forms R460*, R586*, R640*.
Identifiers: ClinVar variation 817533 (VCV000817533.2), dbSNP rs1407652513, ClinGen allele CA377409655.